The following is an entry in ClinVar:

NM_005251.3(FOXC2):c.572C>T (p.Ser191Phe)

Gene: FOXC2 (forkhead box C2; plus strand). Cytogenetic location: 16q24.1.
Variant type: single nucleotide variant.
Coding change: c.572C>T on transcript NM_005251.3 (MANE Select); coding-DNA position 572, C replaced by T.
Protein change: p.Ser191Phe; replaces serine 191 with phenylalanine.
Molecular consequence: missense variant.
Genome position (GRCh38, 1-based): chr16:86,567,907, C>T. VCF-style: chr16-86567907-C-T. GRCh37 (hg19) VCF-style: chr16-86601513-C-T.
Other names: short protein forms S191F.
Identifiers: ClinVar variation 2717175 (VCV002717175.3), dbSNP rs78018668, ClinGen allele CA8218357.

ClinVar aggregate classification (germline): Uncertain significance (1 of 4 stars; one submission).

Allele frequency attached by ClinVar (database versions not stated): TOPMed 0.00002; ExAC 0.00008; gnomAD 0.00008; gnomAD exomes 0.00019; 1000 Genomes Project 30x 0.00062; 1000 Genomes Project 0.00080.

Submission:

Labcorp Genetics (formerly Invitae), Labcorp
Classification: Uncertain significance. Last evaluated: 2025-06-23. Review status: criteria provided, single submitter. Criteria: Invitae Variant Classification Sherloc (09022015). Collection method: clinical testing. Allele origin: germline.
Comment: This sequence change replaces serine, which is neutral and polar, with phenylalanine, which is neutral and non-polar, at codon 191 of the FOXC2 protein (p.Ser191Phe). This variant is present in population databases (rs78018668, gnomAD 0.07%). This variant has not been reported in the literature in individuals affected with FOXC2-related conditions. ClinVar contains an entry for this variant (Variation ID: 2717175). An algorithm developed to predict the effect of missense changes on protein structure and function (PolyPhen-2) suggests that this variant is likely to be tolerated. In summary, the available evidence is currently insufficient to determine the role of this variant in disease. Therefore, it has been classified as a Variant of Uncertain Significance.